The following is an entry in ClinVar:

NM_032108.4(SEMA6B):c.2000_2015del (p.Gly667fs)

Gene: SEMA6B (semaphorin 6B; minus strand). Cytogenetic location: 19p13.3.
Variant type: Deletion.
Coding change: c.2000_2015del on transcript NM_032108.4 (MANE Select); coding-DNA positions 2000 to 2015, 16 bases deleted (GAGGCGGTGGCGGTGG).
Protein change: p.Gly667fs; shifts the reading frame from glycine 667.
Molecular consequence: frameshift variant.
Genome position (GRCh38, 1-based): chr19:4,544,253-4,544,268, CCACCGCCACCGCCTC deleted on the plus strand (GAGGCGGTGGCGGTGG on the coding strand, the reverse complement: SEMA6B is on the minus strand); deleting any 16 consecutive bases within chr19:4,544,253-4,544,269 gives the same sequence; the c. name uses the placement nearest the transcript's 3' end. VCF-style (leftmost placement, unchanged base first): chr19-4544252-GCCACCGCCACCGCCTC-G. GRCh37 (hg19) VCF-style: chr19-4544264-GCCACCGCCACCGCCTC-G.
Other names: short protein forms G667fs.
Identifiers: ClinVar variation 2429390 (VCV002429390.3), dbSNP rs2512182790, ClinGen allele CA2580096997.

ClinVar aggregate classification (germline): Pathogenic (1 of 4 stars; one submission).

Submission:

Illumina Laboratory Services, Illumina
Classification: Pathogenic. Last evaluated: 2022-11-10. Review status: criteria provided, single submitter. Criteria: ICSL CNVClassificationCriteria Aug2020. Collection method: clinical testing. Allele origin: unknown. Affected: yes.
Comment: The SEMA6B c.2000_2015del (p.Gly667AlafsTer13) variant results in the deletion of 16 nucleotides starting at position c.2000, causing a shift in the protein reading frame. This variant occurs in the last exon of the gene and may escape nonsense-mediated mRNA decay but could result in a truncated protein lacking the important intracellular domain (ICD) (PMID: 32169168; PMID: 35604360). To our knowledge, this variant has not been reported in the peer-reviewed literature. This variant is not found in version 2.1.1 or version 3.1.2 of the Genome Aggregation Database. Based on the available evidence, the c.2000_2015del (p.Gly667AlafsTer13) variant is classified as pathogenic for progressive myoclonic epilepsy.

Literature cited by the submitters: PubMed 35604360; PubMed 32169168.